The following is an entry in ClinVar:

ClinVar aggregate classification (germline): Pathogenic/Likely pathogenic. Review status: criteria provided, multiple submitters, no conflicts (2 of 4 stars). 4 submissions from 4 submitters: Pathogenic (2); Likely pathogenic (2). Last evaluated 2026-09-01.

Conditions:
Aminoglycoside-induced deafness. Also called: STREPTOMYCIN OTOTOXICITY; DEAFNESS, STREPTOMYCIN-INDUCED; MT-RNR1-Related Hearing Loss and Deafness. Identifiers: Orphanet 168609, MedGen C1838854, MONDO:0010799, OMIM 580000.
Acute infantile liver failure due to synthesis defect of mtDNA-encoded proteins. Also called: TRMU Deficiency; LIVER FAILURE, INFANTILE, TRANSIENT; Liver failure acute infantile. Identifiers: Orphanet 217371, MedGen C3278664, MONDO:0013111, OMIM 613070.

Allele frequency attached by ClinVar (database versions not stated): gnomAD exomes 0.00002; ExAC 0.00003.
gnomAD v4.1: 9 of 1,613,354 alleles (0.00056%); highest among the groups gnomAD compares: Admixed American, 0.005%; no homozygotes.

Submissions (4):

CeGaT Center for Human Genetics Tuebingen
Classification: Pathogenic. Last evaluated: 2026-09-01. Review status: criteria provided, single submitter. Criteria: CeGaT Center For Human Genetics Tuebingen Variant Classification Criteria Version 2. Collection method: clinical testing. Allele origin: germline. Affected: yes. Observed: 1 variant allele.
Comment: TRMU: PVS1, PM2

Natera, Inc.
Classification: Likely pathogenic for Acute infantile liver failure due to synthesis defect of mtDNA-encoded proteins. Last evaluated: 2024-10-20. Review status: criteria provided, single submitter. Criteria: Natera Variant Classification Schema (03/2026). Collection method: clinical testing. Allele origin: germline.
Comment: The c.994C>T variant in TRMU is a nonsense variant predicted to introduce a stop codon at amino acid 332. This variant is expected to result in nonsense mediated decay, truncation, or a dysfunctional protein product. This variant is rare in the general population with a frequency below the threshold expected for the associated phenotype(s). Given the available evidence, this variant is classified as Likely Pathogenic.

Labcorp Genetics (formerly Invitae), Labcorp
Classification: Pathogenic. Last evaluated: 2024-01-17. Review status: criteria provided, single submitter. Criteria: Invitae Variant Classification Sherloc (09022015). Collection method: clinical testing. Allele origin: germline.
Comment: This sequence change creates a premature translational stop signal (p.Arg332*) in the TRMU gene. It is expected to result in an absent or disrupted protein product. Loss-of-function variants in TRMU are known to be pathogenic (PMID: 19732863, 23625533). This variant is present in population databases (rs759790041, gnomAD 0.01%). This variant has not been reported in the literature in individuals affected with TRMU-related conditions. ClinVar contains an entry for this variant (Variation ID: 943468). For these reasons, this variant has been classified as Pathogenic.

Baylor Genetics
Classification: Likely pathogenic for Aminoglycoside-induced deafness. Last evaluated: 2024-01-16. Review status: criteria provided, single submitter. Criteria: ACMG Guidelines, 2015. Collection method: clinical testing. Allele origin: unknown.

Literature cited by the submitters: PubMed 19732863 (cited by Labcorp Genetics (formerly Invitae), Labcorp); PubMed 23625533 (cited by Labcorp Genetics (formerly Invitae), Labcorp).

NM_018006.5(TRMU):c.994C>T (p.Arg332Ter)

Gene: TRMU (tRNA mitochondrial 2-thiouridylase; plus strand). Cytogenetic location: 22q13.31.
Variant type: single nucleotide variant.
Coding change: c.994C>T on transcript NM_018006.5 (MANE Select); coding-DNA position 994, C replaced by T.
Protein change: p.Arg332Ter; replaces arginine 332 with a stop codon.
Molecular consequence: nonsense. On other transcripts: non-coding transcript variant (2).
Genome position (GRCh38, 1-based): chr22:46,355,564, C>T. VCF-style: chr22-46355564-C-T. GRCh37 (hg19) VCF-style: chr22-46751461-C-T.
Other names: c.652C>T, p.Arg218Ter (NM_001282782.2); c.574C>T, p.Arg192Ter (NM_001282783.2, NM_001282784.2); c.994C>T, p.Arg332Ter (NM_001282785.2); short protein forms R192*, R332*, R218*.
Identifiers: ClinVar variation 943468 (VCV000943468.11), dbSNP rs759790041, ClinGen allele CA10292338.